The following is an entry in ClinVar:

ClinVar aggregate classification (germline): Conflicting classifications of pathogenicity. Review status: criteria provided, conflicting classifications (1 of 4 stars). 3 submissions from 3 submitters: Uncertain significance (1); Likely benign (2). Last evaluated 2025-11-01.

Conditions:
Greig cephalopolysyndactyly syndrome (GCPS). Also called: Greig syndrome; POLYSYNDACTYLY WITH PECULIAR SKULL SHAPE; GLI3-Related Greig Cephalopolysyndactyly Syndrome. Identifiers: Orphanet 380, MedGen C0265306, MONDO:0008287, OMIM 175700.
Pallister-Hall syndrome (PHS). Also called: GLI3-Related Pallister-Hall Syndrome; HYPOTHALAMIC HAMARTOBLASTOMA, HYPOPITUITARISM, IMPERFORATE ANUS, AND POSTAXIAL POLYDACTYLY. Identifiers: Orphanet 672, MedGen C0265220, MONDO:0007804, OMIM 146510.
Polysyndactyly 4. Also called: Polysyndactyly uncomplicated; Preaxial polydactyly 4. Identifiers: Orphanet 93338, MedGen C1868111, MONDO:0008272, OMIM 174700.
Polydactyly, postaxial, type A1. Identifiers: MedGen C4282400, MONDO:0008266, OMIM 174200.

Allele frequency attached by ClinVar (database versions not stated): gnomAD exomes below 0.00001; ExAC 0.00001; gnomAD 0.00004; TOPMed 0.00004.

Submissions (3):

CeGaT Center for Human Genetics Tuebingen
Classification: Likely benign. Last evaluated: 2025-11-01. Review status: criteria provided, single submitter. Criteria: CeGaT Center For Human Genetics Tuebingen Variant Classification Criteria Version 2. Collection method: clinical testing. Allele origin: germline. Affected: yes. Observed: 1 variant allele.
Comment: GLI3: BP4

Fulgent Genetics
Classification: Uncertain significance for Pallister-Hall syndrome; Polydactyly, postaxial, type A1; Polysyndactyly 4; Greig cephalopolysyndactyly syndrome. Last evaluated: 2024-05-29. Review status: criteria provided, single submitter. Criteria: ACMG Guidelines, 2015. Collection method: clinical testing. Allele origin: germline.

Labcorp Genetics (formerly Invitae), Labcorp
Classification: Likely benign for Pallister-Hall syndrome; Greig cephalopolysyndactyly syndrome. Last evaluated: 2022-01-15. Review status: criteria provided, single submitter. Criteria: Invitae Variant Classification Sherloc (09022015). Collection method: clinical testing. Allele origin: germline.

NM_000168.6(GLI3):c.1325A>G (p.Asp442Gly)

Gene: GLI3 (GLI family zinc finger 3; minus strand). Cytogenetic location: 7p14.1.
Variant type: single nucleotide variant.
Coding change: c.1325A>G on transcript NM_000168.6 (MANE Select); coding-DNA position 1325, A replaced by G.
Protein change: p.Asp442Gly; replaces aspartic acid 442 with glycine.
Molecular consequence: missense variant.
Genome position (GRCh38, 1-based): chr7:42,025,295, T>C on the plus strand (A>G on the coding strand, the complement: GLI3 is on the minus strand). VCF-style: chr7-42025295-T-C. GRCh37 (hg19) VCF-style: chr7-42064894-T-C.
Other names: short protein forms D442G.
Identifiers: ClinVar variation 1564240 (VCV001564240.15), dbSNP rs749073077, ClinGen allele CA4230888.
Genomic context (GRCh38, chr7:42,025,295, plus strand): 5'-CGCTGGCCTGTGCGGCCTCGGTGTCCTACCTGCTGCCCCCGAGCCCCTGGGCTGGGGAGG[T>C]CTTCATCGGGTTTGATCTTGGACCTCTTGTTGTGCATCGGGTCACCAGTGCTGCTCACTG-3'
Protein context (NP_000159.3, residues 432-452): NKRSKIKPDE[Asp442Gly]LPSPGARGQQ